The following is an entry in ClinVar:

NM_022552.5(DNMT3A):c.640-3947T>C

Genes: DNMT3A (DNA methyltransferase 3 alpha; minus strand), LOC129933288 (ATAC-STARR-seq lymphoblastoid silent region 11249; plus strand). Cytogenetic location: 2p23.3.
Variant type: single nucleotide variant.
Coding change: c.640-3947T>C on transcript NM_022552.5 (MANE Select); 3947 bases into the intron before coding-DNA position 640, T replaced by C.
Molecular consequence: intron variant. On other transcripts: 5 prime UTR variant (2).
Genome position (GRCh38, 1-based): chr2:25,252,199, A>G on the plus strand (T>C on the coding strand, the complement: DNMT3A is on the minus strand). VCF-style: chr2-25252199-A-G. GRCh37 (hg19) VCF-style: chr2-25475068-A-G.
Other names: c.-36T>C (NM_001375819.1); c.-2T>C (NM_153759.3); c.640-3947T>C (NM_175629.2).
Identifiers: ClinVar variation 3353613 (VCV003353613.1).

ClinVar aggregate classification (germline): Likely benign (0 of 4 stars; one submission).

Conditions:
DNMT3A-related disorder. Also called: DNMT3A-related disorders; DNMT3A-related condition.

gnomAD v4.1: 7 of 1,563,468 alleles (0.00045%); highest among the groups gnomAD compares: Non-Finnish European, 0.00052%; no homozygotes.

Submission:

PreventionGenetics, part of Exact Sciences
Classification: Likely benign for DNMT3A-related condition. Last evaluated: 2022-09-08. Review status: no assertion criteria provided. Collection method: clinical testing. Allele origin: germline.
Comment: This variant is classified as likely benign based on ACMG/AMP sequence variant interpretation guidelines (Richards et al. 2015 PMID: 25741868, with internal and published modifications).